The following is an entry in ClinVar:

NM_032444.4(SLX4):c.3182C>T (p.Ser1061Phe)

Gene: SLX4 (SLX4 structure-specific endonuclease subunit; minus strand). Cytogenetic location: 16p13.3.
Variant type: single nucleotide variant.
Coding change: c.3182C>T on transcript NM_032444.4 (MANE Select); coding-DNA position 3182, C replaced by T.
Protein change: p.Ser1061Phe; replaces serine 1061 with phenylalanine.
Molecular consequence: missense variant.
Genome position (GRCh38, 1-based): chr16:3,590,456, G>A on the plus strand (C>T on the coding strand, the complement: SLX4 is on the minus strand). VCF-style: chr16-3590456-G-A. GRCh37 (hg19) VCF-style: chr16-3640457-G-A.
Other names: short protein forms S1061F.
Identifiers: ClinVar variation 1431697 (VCV001431697.7), dbSNP rs2151124127, ClinGen allele CA394521608.
Genomic context (GRCh38, chr16:3,590,456, plus strand): 5'-TTTGATGGCACAGCTGGAGACAGCAAGGTTGGGGAGCCCACCTGGGAAGTTCCGCCACGG[G>A]ACCGGGGTGTTGACAGGGACGACCCACTTGTGTGATGAGACCCGCGGGGACTCCCGCCCT-3'
Protein context (NP_115820.2, residues 1051-1071): TSGSSLSTPR[Ser1061Phe]RGGTSQVGSP

ClinVar aggregate classification (germline): Uncertain significance (1 of 4 stars; one submission).

Conditions:
Fanconi anemia (FA). Also called: Fanconi's anemia. Identifiers: Orphanet 84, MedGen C0015625, MeSH D005199, MONDO:0019391.

Submission:

Labcorp Genetics (formerly Invitae), Labcorp
Classification: Uncertain significance for Fanconi anemia. Last evaluated: 2023-12-21. Review status: criteria provided, single submitter. Criteria: Invitae Variant Classification Sherloc (09022015). Collection method: clinical testing. Allele origin: germline.
Comment: This sequence change replaces serine, which is neutral and polar, with phenylalanine, which is neutral and non-polar, at codon 1061 of the SLX4 protein (p.Ser1061Phe). This variant is not present in population databases (gnomAD no frequency). This variant has not been reported in the literature in individuals affected with SLX4-related conditions. ClinVar contains an entry for this variant (Variation ID: 1431697). An algorithm developed to predict the effect of missense changes on protein structure and function (PolyPhen-2) suggests that this variant is likely to be disruptive. In summary, the available evidence is currently insufficient to determine the role of this variant in disease. Therefore, it has been classified as a Variant of Uncertain Significance.